The following is an entry in ClinVar:

NM_015559.3(SETBP1):c.428G>A (p.Arg143His)

Gene: SETBP1 (SET binding protein 1; plus strand). Cytogenetic location: 18q12.3.
Variant type: single nucleotide variant.
Coding change: c.428G>A on transcript NM_015559.3 (MANE Select); coding-DNA position 428, G replaced by A.
Protein change: p.Arg143His; replaces arginine 143 with histidine.
Molecular consequence: missense variant.
Genome position (GRCh38, 1-based): chr18:44,701,774, G>A. VCF-style: chr18-44701774-G-A. GRCh37 (hg19) VCF-style: chr18-42281739-G-A.
Other names: c.428G>A, p.Arg143His (NM_001130110.2, NM_001379141.1, NM_001379142.1 and 1 more transcripts); short protein forms R143H.
Identifiers: ClinVar variation 2648687 (VCV002648687.28), dbSNP rs773971820, ClinGen allele CA8945373.
Genomic context (GRCh38, chr18:44,701,774, plus strand): 5'-ATATATGTCCACCTGAGATCAAGATCACCATCAAGCAGTCTGGGGACCAGAAGGTGTCCC[G>A]TGCTGGAAAAAATAGCAAAGCCACGAAGGAGGAAGAAAGAAGCCACTCCAAAAAGAAGGT-3'
Protein context (NP_056374.2, residues 133-153): IKQSGDQKVS[Arg143His]AGKNSKATKE

ClinVar aggregate classification (germline): Likely benign. Review status: criteria provided, multiple submitters, no conflicts (2 of 4 stars). 3 submissions from 3 submitters: Likely benign (3). Last evaluated 2026-07-01.

Allele frequency attached by ClinVar (database versions not stated): gnomAD 0.00002; gnomAD exomes 0.00002; ExAC 0.00003; 1000 Genomes Project 30x 0.00031.
gnomAD v4.1: 36 of 1,613,822 alleles (0.0022%); highest among the groups gnomAD compares: African/African-American, 0.0053%; no homozygotes.

Submissions (3):

CeGaT Center for Human Genetics Tuebingen
Classification: Likely benign. Last evaluated: 2026-07-01. Review status: criteria provided, single submitter. Criteria: CeGaT Center For Human Genetics Tuebingen Variant Classification Criteria Version 2. Collection method: clinical testing. Allele origin: germline. Affected: yes. Observed: 3 variant alleles.
Comment: SETBP1: BS2

Labcorp Genetics (formerly Invitae), Labcorp
Classification: Likely benign. Last evaluated: 2025-05-21. Review status: criteria provided, single submitter. Criteria: Invitae Variant Classification Sherloc (09022015). Collection method: clinical testing. Allele origin: germline.

Blueprint Genetics
Classification: Likely benign. Last evaluated: 2023-11-10. Review status: criteria provided, single submitter. Criteria: ACMG Guidelines, 2015. Collection method: clinical testing. Allele origin: germline.